The following is an entry in ClinVar:

ClinVar aggregate classification (germline): Uncertain significance (1 of 4 stars; one submission).

Conditions:
Long QT syndrome (LQTS). Identifiers: MedGen C0023976, MeSH D008133, MONDO:0002442. Disease mechanism: loss of function. Inheritance: Various modes of inheritance.

Allele frequency attached by ClinVar (database versions not stated): gnomAD 0.00001; gnomAD exomes 0.00001.
gnomAD v4.1: 19 of 1,607,818 alleles (0.0012%); highest among the groups gnomAD compares: Non-Finnish European, 0.0014%; no homozygotes.

Submission:

Labcorp Genetics (formerly Invitae), Labcorp
Classification: Uncertain significance for Long QT syndrome. Last evaluated: 2025-07-14. Review status: criteria provided, single submitter. Criteria: Invitae Variant Classification Sherloc (09022015). Collection method: clinical testing. Allele origin: germline.
Comment: This sequence change replaces aspartic acid, which is acidic and polar, with valine, which is neutral and non-polar, at codon 1537 of the AKAP9 protein (p.Asp1537Val). This variant is not present in population databases (gnomAD no frequency). This variant has not been reported in the literature in individuals affected with AKAP9-related conditions. ClinVar contains an entry for this variant (Variation ID: 1449252). An algorithm developed to predict the effect of missense changes on protein structure and function (PolyPhen-2) suggests that this variant is likely to be disruptive. In summary, the available evidence is currently insufficient to determine the role of this variant in disease. Therefore, it has been classified as a Variant of Uncertain Significance.

NM_005751.5(AKAP9):c.4610A>T (p.Asp1537Val)

Gene: AKAP9 (A-kinase anchoring protein 9; plus strand). Cytogenetic location: 7q21.2.
Variant type: single nucleotide variant.
Coding change: c.4610A>T on transcript NM_005751.5 (MANE Select); coding-DNA position 4610, A replaced by T.
Protein change: p.Asp1537Val; replaces aspartic acid 1537 with valine.
Molecular consequence: missense variant.
Genome position (GRCh38, 1-based): chr7:92,038,690, A>T. VCF-style: chr7-92038690-A-T. GRCh37 (hg19) VCF-style: chr7-91668004-A-T.
Other names: c.4610A>T, p.Asp1537Val (NM_147185.3); short protein forms D1537V.
Identifiers: ClinVar variation 1449252 (VCV001449252.6), dbSNP rs1251741261, ClinGen allele CA368129155.